The following is an entry in ClinVar:

ClinVar aggregate classification (germline): Uncertain significance (1 of 4 stars; one submission).

Submission:

Dasa
Classification: Uncertain significance. Last evaluated: 2025-12-29. Review status: criteria provided, single submitter. Criteria: DASA Assertion Criteria. Collection method: clinical testing. Allele origin: germline.
Comment: NM_001267550.2(TTN):c.35876-142_35876-139del is an intronic variant. This variant is rare in population databases. The currently available literature and clinical evidence are not sufficient to establish a definitive association between this variant and the reported condition. Therefore, this variant is classified as a variant of uncertain significance.

NM_001267550.2(TTN):c.35876-142_35876-139del

Gene: TTN (titin; minus strand). Cytogenetic location: 2q31.2.
Variant type: Deletion.
Coding change: c.35876-142_35876-139del on transcript NM_001267550.2 (MANE Select); 142 bases into the intron before coding-DNA position 35876 through 139 bases into the intron before coding-DNA position 35876, 4 bases deleted (TCAC; older notation c.35876-142_35876-139delTCAC).
Molecular consequence: intron variant.
Genome position (GRCh38, 1-based): chr2:178,665,930-178,665,933, GTGA deleted on the plus strand (TCAC on the coding strand, the reverse complement: TTN is on the minus strand); deleting any 4 consecutive bases within chr2:178,665,930-178,665,935 gives the same sequence; the c. name uses the placement nearest the transcript's 3' end. VCF-style (leftmost placement, unchanged base first): chr2-178665929-TGTGA-T. GRCh37 (hg19) VCF-style: chr2-179530656-TGTGA-T.
Other names: c.13283-23616_13283-23613del (NM_003319.4); c.13859-23616_13859-23613del (NM_133437.4); c.13658-23616_13658-23613del (NM_133432.3); c.31484-2878_31484-2875del (NM_133378.4); c.34265-2878_34265-2875del (NM_001256850.1).
Identifiers: ClinVar variation 4856918 (VCV004856918.2).